The following is an entry in ClinVar:

NM_001253697.2(ERBIN):c.3700A>T (p.Asn1234Tyr)

Gene: ERBIN (erbb2 interacting protein; plus strand). Cytogenetic location: 5q12.3.
Variant type: single nucleotide variant.
Coding change: c.3700A>T on transcript NM_001253697.2 (MANE Select); coding-DNA position 3700, A replaced by T.
Protein change: p.Asn1234Tyr; replaces asparagine 1234 with tyrosine.
Molecular consequence: missense variant. On other transcripts: intron variant (5).
Genome position (GRCh38, 1-based): chr5:66,072,235, A>T. VCF-style: chr5-66072235-A-T. GRCh37 (hg19) VCF-style: chr5-65368063-A-T.
Other names: c.3778-2789A>T (NM_001253699.2); c.3634-2789A>T (NM_018695.4, NM_001253698.2); c.3634-4081A>T (NM_001006600.3); c.3622-2789A>T (NM_001253701.2); short protein forms N1234Y.
Identifiers: ClinVar variation 4703728 (VCV004703728.1).
Genomic context (GRCh38, chr5:66,072,235, plus strand): 5'-CCCCAGACATCCAGTTCAGGAGATCCTTGTCAAGATGGTATATTCATTTCAGGACAGCAG[A>T]ACTACTCATCAGCCACACTTAGTCACAAAGATGTTCCTCCAGACAGCTTGATGAAAGTGG-3'
Protein context (NP_001240626.1, residues 1224-1244): QDGIFISGQQ[Asn1234Tyr]YSSATLSHKD

ClinVar aggregate classification (germline): Uncertain significance (1 of 4 stars; one submission).

gnomAD v4.1: 5 of 1,550,388 alleles (0.00032%); highest among the groups gnomAD compares: Non-Finnish European, 0.00044%; no homozygotes.

Submission:

Labcorp Genetics (formerly Invitae), Labcorp
Classification: Uncertain significance. Last evaluated: 2025-08-16. Review status: criteria provided, single submitter. Criteria: Invitae Variant Classification Sherloc (09022015). Collection method: clinical testing. Allele origin: germline.
Comment: This sequence change replaces asparagine, which is neutral and polar, with tyrosine, which is neutral and polar, at codon 1234 of the ERBIN protein (p.Asn1234Tyr). This variant is present in population databases (no rsID available, gnomAD 0.003%). This variant has not been reported in the literature in individuals affected with ERBIN-related conditions. An algorithm developed to predict the effect of missense changes on protein structure and function (PolyPhen-2) suggests that this variant is likely to be disruptive. In summary, the available evidence is currently insufficient to determine the role of this variant in disease. Therefore, it has been classified as a Variant of Uncertain Significance.